The following is an entry in ClinVar:

NM_199355.4(ADAMTS18):c.69G>A (p.Ala23=)

Gene: ADAMTS18 (ADAM metallopeptidase with thrombospondin type 1 motif 18; minus strand). Cytogenetic location: 16q23.1.
Variant type: single nucleotide variant.
Coding change: c.69G>A on transcript NM_199355.4 (MANE Select); coding-DNA position 69, G replaced by A.
Protein change: p.Ala23=; no amino-acid change (alanine 23 retained).
Molecular consequence: synonymous variant. On other transcripts: 5 prime UTR variant (1).
Genome position (GRCh38, 1-based): chr16:77,434,627, C>T on the plus strand (G>A on the coding strand, the complement: ADAMTS18 is on the minus strand). VCF-style: chr16-77434627-C-T. GRCh37 (hg19) VCF-style: chr16-77468524-C-T.
Other names: c.-452G>A (NM_001326358.2); c.69G>A (NM_199355.3).
Identifiers: ClinVar variation 1123920 (VCV001123920.12), dbSNP rs538542269, ClinGen allele CA8181803.

ClinVar aggregate classification (germline): Likely benign. Review status: criteria provided, multiple submitters, no conflicts (2 of 4 stars). 3 submissions from 3 submitters: Likely benign (2). 1 of the submissions does not count toward it. Last evaluated 2026-01-07.

Conditions:
ADAMTS18-related disorder. Also called: ADAMTS18-related condition.

Allele frequency attached by ClinVar (database versions not stated): ExAC 0.00010; gnomAD 0.00027 and 0.00029; gnomAD exomes 0.00029; TOPMed 0.00030.
gnomAD v4.1: 523 of 1,492,014 alleles (0.035%); highest among the groups gnomAD compares: Non-Finnish European, 0.044%; no homozygotes.

Submissions (3):

Labcorp Genetics (formerly Invitae), Labcorp
Classification: Likely benign. Last evaluated: 2026-01-07. Review status: criteria provided, single submitter. Criteria: Invitae Variant Classification Sherloc (09022015). Collection method: clinical testing. Allele origin: germline.

Blueprint Genetics
Classification: Likely benign. Last evaluated: 2023-12-12. Review status: criteria provided, single submitter. Criteria: ACMG Guidelines, 2015. Collection method: clinical testing. Allele origin: germline.

PreventionGenetics, part of Exact Sciences
Classification: Likely benign for ADAMTS18-related condition. Last evaluated: 2019-09-05. Review status: no assertion criteria provided. Collection method: clinical testing. Allele origin: germline. Not counted in ClinVar's aggregate classification.
Comment: This variant is classified as likely benign based on ACMG/AMP sequence variant interpretation guidelines (Richards et al. 2015 PMID: 25741868, with internal and published modifications).